The following is an entry in ClinVar:

ClinVar aggregate classification (germline): Pathogenic/Likely pathogenic. Review status: criteria provided, multiple submitters, no conflicts (2 of 4 stars). 3 submissions from 3 submitters: Pathogenic (2); Likely pathogenic (1). Last evaluated 2024-06-24.

Conditions:
Retinitis pigmentosa 39 (RP39). Identifiers: Orphanet 791, MedGen C3151138, MONDO:0013436, OMIM 613809.
Usher syndrome type 2A. Also called: USHER SYNDROME, TYPE IIA; RETINAL DISEASE IN USHER SYNDROME TYPE IIA, MODIFIER OF. Identifiers: Orphanet 231178, Orphanet 886, MedGen C1848634, MONDO:0010169, OMIM 276901.

Submissions (3):

Natera, Inc.
Classification: Likely pathogenic for Usher syndrome type 2A. Last evaluated: 2024-06-24. Review status: criteria provided, single submitter. Criteria: Natera Variant Classification Schema (03/2026). Collection method: clinical testing. Allele origin: germline.
Comment: The c.9504C>A variant in USH2A is a nonsense variant predicted to introduce a stop codon at amino acid 3168. This variant is expected to result in nonsense mediated decay, truncation, or a dysfunctional protein product. This variant is rare in the general population with a frequency below the threshold expected for the associated phenotype(s). Given the available evidence, this variant is classified as Likely Pathogenic.

Baylor Genetics
Classification: Pathogenic for Retinitis pigmentosa 39. Last evaluated: 2023-06-06. Review status: criteria provided, single submitter. Criteria: ACMG Guidelines, 2015. Collection method: clinical testing. Allele origin: unknown.

Labcorp Genetics (formerly Invitae), Labcorp
Classification: Pathogenic. Last evaluated: 2023-03-27. Review status: criteria provided, single submitter. Criteria: Invitae Variant Classification Sherloc (09022015). Collection method: clinical testing. Allele origin: germline.
Comment: For these reasons, this variant has been classified as Pathogenic. ClinVar contains an entry for this variant (Variation ID: 1455888). This premature translational stop signal has been observed in individual(s) with deafness (PMID: 32203226). This variant is not present in population databases (gnomAD no frequency). This sequence change creates a premature translational stop signal (p.Cys3168*) in the USH2A gene. It is expected to result in an absent or disrupted protein product. Loss-of-function variants in USH2A are known to be pathogenic (PMID: 10729113, 10909849, 20507924, 25649381).

Literature cited by the submitters: PubMed 32203226 (cited by Labcorp Genetics (formerly Invitae), Labcorp); PubMed 10729113 (cited by Labcorp Genetics (formerly Invitae), Labcorp); PubMed 10909849 (cited by Labcorp Genetics (formerly Invitae), Labcorp); PubMed 20507924 (cited by Labcorp Genetics (formerly Invitae), Labcorp); PubMed 25649381 (cited by Labcorp Genetics (formerly Invitae), Labcorp).

NM_206933.4(USH2A):c.9504C>A (p.Cys3168Ter)

Gene: USH2A (usherin; minus strand). Cytogenetic location: 1q41.
Variant type: single nucleotide variant.
Coding change: c.9504C>A on transcript NM_206933.4 (MANE Select); coding-DNA position 9504, C replaced by A.
Protein change: p.Cys3168Ter; replaces cysteine 3168 with a stop codon.
Molecular consequence: nonsense.
Genome position (GRCh38, 1-based): chr1:215,817,063, G>T on the plus strand (C>A on the coding strand, the complement: USH2A is on the minus strand). VCF-style: chr1-215817063-G-T. GRCh37 (hg19) VCF-style: chr1-215990405-G-T.
Other names: c.9504C>A (NM_206933.2); short protein forms C3168*.
Identifiers: ClinVar variation 1455888 (VCV001455888.8), dbSNP rs2102796365, ClinGen allele CA344824570.
Genomic context (GRCh38, chr1:215,817,063, plus strand): 5'-TTCAGAAGAATAGCAAATGTGTCCACAGATAGATTCAGGTTTTTGACACCTCACTGCCTT[G>T]CAGAGCTCATCACTCTGATCCTGCACTAACTTTTGAGTTTTAGCGCATGGATACCATGTT-3'